The following is an entry in ClinVar:

NM_022095.4(ZNF335):c.4020C>T (p.Ala1340=)

Gene: ZNF335 (zinc finger protein 335; minus strand). Cytogenetic location: 20q13.12.
Variant type: single nucleotide variant.
Coding change: c.4020C>T on transcript NM_022095.4 (MANE Select); coding-DNA position 4020, C replaced by T.
Protein change: p.Ala1340=; no amino-acid change (alanine 1340 retained).
Molecular consequence: synonymous variant.
Genome position (GRCh38, 1-based): chr20:45,948,962, G>A on the plus strand (C>T on the coding strand, the complement: ZNF335 is on the minus strand). VCF-style: chr20-45948962-G-A. GRCh37 (hg19) VCF-style: chr20-44577601-G-A.
Other names: c.4020C>T (NM_022095.3).
Identifiers: ClinVar variation 1905624 (VCV001905624.7), dbSNP rs781092251, ClinGen allele CA9884734.
Genomic context (GRCh38, chr20:45,948,962, plus strand): 5'-CCCCCAGGAGAGCTGGCCGCAAATCCATGATCTGTGTTGGGCCCTCGGGGCTCAGTCATC[G>A]GCCAGGGTGATGACGTCGTACTCGATGCCCTGGTGCTGCAGCTGTTGAATGTGTTCGGGC-3'
Protein context (NP_071378.1, residues 1330-1342): QGIEYDVITL[Ala1340=]DD

ClinVar aggregate classification (germline): Likely benign. Review status: criteria provided, single submitter (1 of 4 stars). 2 submissions from 2 submitters: Likely benign (1). 1 of the submissions does not count toward it. Last evaluated 2022-02-02.

Conditions:
ZNF335-related disorder. Also called: ZNF335-related condition.

Allele frequency attached by ClinVar (database versions not stated): ExAC 0.00003.
gnomAD v4.1: 25 of 1,613,756 alleles (0.0015%); highest among the groups gnomAD compares: South Asian, 0.015%; no homozygotes.

Submissions (2):

Labcorp Genetics (formerly Invitae), Labcorp
Classification: Likely benign. Last evaluated: 2022-02-02. Review status: criteria provided, single submitter. Criteria: Invitae Variant Classification Sherloc (09022015). Collection method: clinical testing. Allele origin: germline.

PreventionGenetics, part of Exact Sciences
Classification: Likely benign for ZNF335-related condition. Last evaluated: 2019-04-02. Review status: no assertion criteria provided. Collection method: clinical testing. Allele origin: germline. Not counted in ClinVar's aggregate classification.
Comment: This variant is classified as likely benign based on ACMG/AMP sequence variant interpretation guidelines (Richards et al. 2015 PMID: 25741868, with internal and published modifications).